The following is an entry in ClinVar:

ClinVar aggregate classification (germline): Likely benign. Review status: criteria provided, multiple submitters, no conflicts (2 of 4 stars). 3 submissions from 3 submitters: Likely benign (2). 1 of the submissions does not count toward it. Last evaluated 2025-05-01.

Conditions:
HCFC1-related disorder. Also called: HCFC1-related condition.
Methylmalonic acidemia with homocystinuria, type cblX (MAHCX). Also called: INTELLECTUAL DEVELOPMENTAL DISORDER, X-LINKED 3. Identifiers: Orphanet 369962, MedGen C0796208, MONDO:0010657, OMIM 309541.

Allele frequency attached by ClinVar (database versions not stated): TOPMed 0.00003; gnomAD 0.00004 and 0.00005; gnomAD exomes 0.00004 and 0.00016.
gnomAD v4.1: 181 of 1,208,875 alleles (0.015%); highest among the groups gnomAD compares: Non-Finnish European, 0.02%; 1 homozygote.

Submissions (3):

CeGaT Center for Human Genetics Tuebingen
Classification: Likely benign. Last evaluated: 2025-05-01. Review status: criteria provided, single submitter. Criteria: CeGaT Center For Human Genetics Tuebingen Variant Classification Criteria Version 2. Collection method: clinical testing. Allele origin: germline. Affected: yes. Observed: 2 variant alleles.
Comment: HCFC1: BP4, BP7, BS2

Labcorp Genetics (formerly Invitae), Labcorp
Classification: Likely benign for Methylmalonic acidemia with homocystinuria, type cblX. Last evaluated: 2024-06-11. Review status: criteria provided, single submitter. Criteria: Invitae Variant Classification Sherloc (09022015). Collection method: clinical testing. Allele origin: germline.

PreventionGenetics, part of Exact Sciences
Classification: Likely benign for HCFC1-related condition. Last evaluated: 2019-11-26. Review status: no assertion criteria provided. Collection method: clinical testing. Allele origin: germline. Not counted in ClinVar's aggregate classification.
Comment: This variant is classified as likely benign based on ACMG/AMP sequence variant interpretation guidelines (Richards et al. 2015 PMID: 25741868, with internal and published modifications).

NM_005334.3(HCFC1):c.2436G>A (p.Ala812=)

Gene: HCFC1 (host cell factor C1; minus strand). Cytogenetic location: Xq28.
Variant type: single nucleotide variant.
Coding change: c.2436G>A on transcript NM_005334.3 (MANE Select); coding-DNA position 2436, G replaced by A.
Protein change: p.Ala812=; no amino-acid change (alanine 812 retained).
Molecular consequence: synonymous variant.
Genome position (GRCh38, 1-based): chrX:153,956,978, C>T on the plus strand (G>A on the coding strand, the complement: HCFC1 is on the minus strand). VCF-style: chrX-153956978-C-T. GRCh37 (hg19) VCF-style: chrX-153222429-C-T.
Identifiers: ClinVar variation 728199 (VCV000728199.37), dbSNP rs1459988694, ClinGen allele CA15056458.